The following is an entry in ClinVar:

NM_013266.4(CTNNA3):c.1133G>A (p.Arg378His)

Gene: CTNNA3 (catenin alpha 3; minus strand). Cytogenetic location: 10q21.3.
Variant type: single nucleotide variant.
Coding change: c.1133G>A on transcript NM_013266.4 (MANE Select); coding-DNA position 1133, G replaced by A.
Protein change: p.Arg378His; replaces arginine 378 with histidine.
Molecular consequence: missense variant.
Genome position (GRCh38, 1-based): chr10:66,766,412, C>T on the plus strand (G>A on the coding strand, the complement: CTNNA3 is on the minus strand). VCF-style: chr10-66766412-C-T. GRCh37 (hg19) VCF-style: chr10-68526170-C-T.
Other names: c.1133G>A, p.Arg378His (NM_001127384.3); short protein forms R378H.
Identifiers: ClinVar variation 415363 (VCV000415363.23), dbSNP rs143682596, ClinGen allele CA5520043.

ClinVar aggregate classification (germline): Benign/Likely benign. Review status: criteria provided, multiple submitters, no conflicts (2 of 4 stars). 10 submissions from 10 submitters: Benign (3); Likely benign (2). 5 of the submissions do not count toward it. Last evaluated 2026-02-02.

Conditions:
Arrhythmogenic right ventricular dysplasia 13. Also called: ARRHYTHMOGENIC RIGHT VENTRICULAR CARDIOMYOPATHY 13; Arrhythmogenic right ventricular dysplasia, familial, 13. Identifiers: MedGen C3810138, MONDO:0000908, OMIM 615616.
CTNNA3-related disorder. Also called: CTNNA3-related condition.

Allele frequency attached by ClinVar (database versions not stated): gnomAD exomes 0.00078; ExAC 0.00094; ESP Exome Variant Server 0.00169; gnomAD 0.00235 and 0.00240; TOPMed 0.00289; 1000 Genomes Project 0.00300; 1000 Genomes Project 30x 0.00375.
gnomAD v4.1: 931 of 1,603,932 alleles (0.058%); highest among the groups gnomAD compares: African/African-American, 0.76%; 3 homozygotes.

Submissions (10):

Labcorp Genetics (formerly Invitae), Labcorp
Classification: Benign for Arrhythmogenic right ventricular dysplasia 13. Last evaluated: 2026-02-02. Review status: criteria provided, single submitter. Criteria: Invitae Variant Classification Sherloc (09022015). Collection method: clinical testing. Allele origin: germline.

Blueprint Genetics
Classification: Likely benign. Last evaluated: 2024-11-13. Review status: criteria provided, single submitter. Criteria: ACMG Guidelines, 2015. Collection method: clinical testing. Allele origin: germline.

Women's Health and Genetics/Laboratory Corporation of America, LabCorp
Classification: Likely benign. Last evaluated: 2024-02-25. Review status: criteria provided, single submitter. Criteria: LabCorp Variant Classification Summary - May 2015. Collection method: clinical testing. Allele origin: germline.

GeneDx
Classification: Benign. Last evaluated: 2019-01-14. Review status: criteria provided, single submitter. Criteria: GeneDx Variant Classification Process June 2021. Collection method: clinical testing. Allele origin: germline. Affected: yes.

Breakthrough Genomics
Classification: Benign. Review status: criteria provided, single submitter. Criteria: ACMG Guidelines, 2015. Collection method: not provided. Allele origin: germline. Inheritance: Autosomal dominant inheritance. Affected: yes.

PreventionGenetics, part of Exact Sciences
Classification: Benign for CTNNA3-related condition. Last evaluated: 2024-03-07. Review status: no assertion criteria provided. Collection method: clinical testing. Allele origin: germline. Not counted in ClinVar's aggregate classification.
Comment: This variant is classified as benign based on ACMG/AMP sequence variant interpretation guidelines (Richards et al. 2015 PMID: 25741868, with internal and published modifications).

Clinical Genetics DNA and cytogenetics Diagnostics Lab, Erasmus MC, Erasmus Medical Center
Classification: Likely benign. Review status: no assertion criteria provided. Collection method: clinical testing. Allele origin: germline. Affected: yes. Study: VKGL Data-share Consensus. Not counted in ClinVar's aggregate classification.

Clinical Genetics, Academic Medical Center
Classification: Benign. Review status: no assertion criteria provided. Collection method: clinical testing. Allele origin: germline. Affected: yes. Study: VKGL Data-share Consensus. Not counted in ClinVar's aggregate classification.

Diagnostic Laboratory, Department of Genetics, University Medical Center Groningen
Classification: Likely benign. Review status: no assertion criteria provided. Collection method: clinical testing. Allele origin: germline. Affected: yes. Study: VKGL Data-share Consensus. Not counted in ClinVar's aggregate classification.

Genome Diagnostics Laboratory, University Medical Center Utrecht
Classification: Benign. Review status: no assertion criteria provided. Collection method: clinical testing. Allele origin: germline. Affected: yes. Study: VKGL Data-share Consensus. Not counted in ClinVar's aggregate classification.